The following is an entry in ClinVar:

ClinVar aggregate classification (germline): Uncertain significance (1 of 4 stars; one submission).

Conditions:
Familial hemiplegic migraine. Identifiers: MedGen C0338484, MONDO:0000700.

Submission:

Labcorp Genetics (formerly Invitae), Labcorp
Classification: Uncertain significance for Familial hemiplegic migraine. Last evaluated: 2025-09-02. Review status: criteria provided, single submitter. Criteria: Invitae Variant Classification Sherloc (09022015). Collection method: clinical testing. Allele origin: germline.
Comment: This sequence change replaces glycine, which is neutral and non-polar, with glutamic acid, which is acidic and polar, at codon 96 of the ATP1A2 protein (p.Gly96Glu). This variant is not present in population databases (gnomAD no frequency). This variant has not been reported in the literature in individuals affected with ATP1A2-related conditions. ClinVar contains an entry for this variant (Variation ID: 3667460). Invitae Evidence Modeling of protein sequence and biophysical properties (such as structural, functional, and spatial information, amino acid conservation, physicochemical variation, residue mobility, and thermodynamic stability) indicates that this missense variant is not expected to disrupt ATP1A2 protein function with a negative predictive value of 80%. In summary, the available evidence is currently insufficient to determine the role of this variant in disease. Therefore, it has been classified as a Variant of Uncertain Significance.

NM_000702.4(ATP1A2):c.287G>A (p.Gly96Glu)

Gene: ATP1A2 (ATPase Na+/K+ transporting subunit alpha 2; plus strand). Cytogenetic location: 1q23.2.
Variant type: single nucleotide variant.
Coding change: c.287G>A on transcript NM_000702.4 (MANE Select); coding-DNA position 287, G replaced by A.
Protein change: p.Gly96Glu; replaces glycine 96 with glutamic acid.
Molecular consequence: missense variant.
Genome position (GRCh38, 1-based): chr1:160,123,322, G>A. VCF-style: chr1-160123322-G-A. GRCh37 (hg19) VCF-style: chr1-160093112-G-A.
Other names: short protein forms G96E.
Identifiers: ClinVar variation 3667460 (VCV003667460.2).